The following is an entry in ClinVar:

ClinVar aggregate classification (germline): Uncertain significance. Review status: criteria provided, multiple submitters, no conflicts (2 of 4 stars). 2 submissions from 2 submitters: Uncertain significance (2). Last evaluated 2025-04-01.

Conditions:
RASopathy. Also called: Noonan spectrum disorder; rasopathies. Identifiers: Orphanet 536391, MedGen C5555857, MONDO:0021060.

Allele frequency attached by ClinVar (database versions not stated): ExAC 0.00001; gnomAD 0.00001; gnomAD exomes 0.00002; TOPMed 0.00002.
gnomAD v4.1: 27 of 1,607,426 alleles (0.0017%); highest among the groups gnomAD compares: Middle Eastern, 0.017%; no homozygotes.

Submissions (2):

Labcorp Genetics (formerly Invitae), Labcorp
Classification: Uncertain significance for RASopathy. Last evaluated: 2025-04-01. Review status: criteria provided, single submitter. Criteria: Invitae Variant Classification Sherloc (09022015). Collection method: clinical testing. Allele origin: germline.
Comment: This sequence change replaces serine, which is neutral and polar, with cysteine, which is neutral and slightly polar, at codon 204 of the MAP2K2 protein (p.Ser204Cys). This variant is present in population databases (rs775668076, gnomAD 0.002%). This variant has not been reported in the literature in individuals affected with MAP2K2-related conditions. ClinVar contains an entry for this variant (Variation ID: 1488119). Invitae Evidence Modeling incorporating data from in vitro experimental studies (internal data) indicates that this missense variant is not expected to disrupt MAP2K2 function with a negative predictive value of 95%. In summary, the available evidence is currently insufficient to determine the role of this variant in disease. Therefore, it has been classified as a Variant of Uncertain Significance.

Blueprint Genetics
Classification: Uncertain significance. Last evaluated: 2023-07-19. Review status: criteria provided, single submitter. Criteria: ACMG Guidelines, 2015. Collection method: clinical testing. Allele origin: germline.

NM_030662.4(MAP2K2):c.611C>G (p.Ser204Cys)

Gene: MAP2K2 (mitogen-activated protein kinase kinase 2; minus strand). Cytogenetic location: 19p13.3.
Variant type: single nucleotide variant.
Coding change: c.611C>G on transcript NM_030662.4 (MANE Select); coding-DNA position 611, C replaced by G.
Protein change: p.Ser204Cys; replaces serine 204 with cysteine.
Molecular consequence: missense variant.
Genome position (GRCh38, 1-based): chr19:4,101,113, G>C on the plus strand (C>G on the coding strand, the complement: MAP2K2 is on the minus strand). VCF-style: chr19-4101113-G-C. GRCh37 (hg19) VCF-style: chr19-4101111-G-C.
Other names: short protein forms S204C.
Identifiers: ClinVar variation 1488119 (VCV001488119.9), dbSNP rs775668076, ClinGen allele CA9090863.
Genomic context (GRCh38, chr19:4,101,113, plus strand): 5'-GCCATGGAGTCGATGAGCTGGCCGCTCACCCCGAAGTCACACAGCTTGATCTCCCCTCTA[G>C]AGTTCACGAGGATGTTGGAGGGCTTCACATCTGGAGGCGGCAGGCTGCGGGTGAGGGGCG-3'
Protein context (NP_109587.1, residues 194-214): DVKPSNILVN[Ser204Cys]RGEIKLCDFG